The following is an entry in ClinVar:

NM_004370.6(COL12A1):c.5865C>G (p.Asp1955Glu)

Gene: COL12A1 (collagen type XII alpha 1 chain; minus strand). Cytogenetic location: 6q13.
Variant type: single nucleotide variant.
Coding change: c.5865C>G on transcript NM_004370.6 (MANE Select); coding-DNA position 5865, C replaced by G.
Protein change: p.Asp1955Glu; replaces aspartic acid 1955 with glutamic acid.
Molecular consequence: missense variant.
Genome position (GRCh38, 1-based): chr6:75,132,012, G>C on the plus strand (C>G on the coding strand, the complement: COL12A1 is on the minus strand). VCF-style: chr6-75132012-G-C. GRCh37 (hg19) VCF-style: chr6-75841728-G-C.
Other names: c.2373C>G, p.Asp791Glu (NM_080645.3); short protein forms D791E, D1955E.
Identifiers: ClinVar variation 2112267 (VCV002112267.4), dbSNP rs2533277124, ClinGen allele CA364732918.

ClinVar aggregate classification (germline): Uncertain significance (1 of 4 stars; one submission).

Conditions:
Ullrich congenital muscular dystrophy 2 (UCMD2). Identifiers: Orphanet 75840, MedGen C4225314, MONDO:0014654, OMIM 616470.
Bethlem myopathy 2 (BTHLM2). Identifiers: Orphanet 536516, Orphanet 610, MedGen C4225313, MONDO:0034022, OMIM 616471.

Allele frequency attached by ClinVar (database versions not stated): gnomAD exomes below 0.00001.
gnomAD v4.1: 1 of 1,614,144 alleles (0.000062%); highest among the groups gnomAD compares: Non-Finnish European, 0.000085%; no homozygotes.

Submission:

Labcorp Genetics (formerly Invitae), Labcorp
Classification: Uncertain significance for Bethlem myopathy 2; Ullrich congenital muscular dystrophy 2. Last evaluated: 2022-03-30. Review status: criteria provided, single submitter. Criteria: Invitae Variant Classification Sherloc (09022015). Collection method: clinical testing. Allele origin: germline.
Comment: Algorithms developed to predict the effect of missense changes on protein structure and function output the following: SIFT: "Tolerated"; PolyPhen-2: "Benign"; Align-GVGD: "Class C0". The glutamic acid amino acid residue is found in multiple mammalian species, which suggests that this missense change does not adversely affect protein function. In summary, the available evidence is currently insufficient to determine the role of this variant in disease. Therefore, it has been classified as a Variant of Uncertain Significance. This variant has not been reported in the literature in individuals affected with COL12A1-related conditions. This variant is not present in population databases (gnomAD no frequency). This sequence change replaces aspartic acid, which is acidic and polar, with glutamic acid, which is acidic and polar, at codon 1955 of the COL12A1 protein (p.Asp1955Glu).